The following is an entry in ClinVar:

ClinVar aggregate classification (germline): Benign/Likely benign. Review status: criteria provided, multiple submitters, no conflicts (2 of 4 stars). 18 submissions from 15 submitters: Benign (6); Likely benign (9). 3 of the submissions do not count toward it. Last evaluated 2026-09-21.

Conditions:
TTN-related disorder. Also called: TTN-related disorders; TTN-related condition; TTN-related disease.
Cardiovascular phenotype. Identifiers: MedGen CN230736.
Dilated cardiomyopathy 1G (CMD1G). Identifiers: Orphanet 154, MedGen C1858763, MONDO:0011400, OMIM 604145.
Autosomal recessive limb-girdle muscular dystrophy type 2J (LGMDR10). Also called: MUSCULAR DYSTROPHY, LIMB-GIRDLE, AUTOSOMAL RECESSIVE 10; Limb-girdle muscular dystrophy, type 2J. Identifiers: Orphanet 140922, MedGen C1837342, MONDO:0012127, OMIM 608807.
Myopathy, myofibrillar, 9, with early respiratory failure (MFM9). Also called: Hereditary myopathy with early respiratory failure; EDSTROM MYOPATHY; Myopathy, distal, with early respiratory failure, autosomal dominant; MYOPATHY, PROXIMAL, WITH EARLY RESPIRATORY MUSCLE INVOLVEMENT. Identifiers: Orphanet 178464, Orphanet 34521, MedGen C1863599, MONDO:0011362, OMIM 603689.
Early-onset myopathy with fatal cardiomyopathy (CMYO5). Also called: CONGENITAL MYOPATHY 5 WITH CARDIOMYOPATHY; Salih Myopathy. Identifiers: Orphanet 289377, MedGen C2673677, MONDO:0012714, OMIM 611705. Disease mechanism: loss of function.
Tibial muscular dystrophy (TMD). Also called: Udd Distal Myopathy – Tibial Muscular Dystrophy; Tibial muscular dystrophy, tardive; UDD MYOPATHY. Identifiers: Orphanet 609, MedGen C1838244, MONDO:0010870, OMIM 600334.

Allele frequency attached by ClinVar (database versions not stated): 1000 Genomes Project 30x 0.00016; 1000 Genomes Project 0.00020; gnomAD 0.00006 and 0.00009; TOPMed 0.00009; gnomAD exomes 0.00014 and 0.00016; ExAC 0.00018.
gnomAD v4.1: 221 of 1,613,818 alleles (0.014%); highest among the groups gnomAD compares: South Asian, 0.11%; no homozygotes.

Submissions (18):

Molecular Diagnostic Laboratory for Inherited Cardiovascular Disease, Montreal Heart Institute
Classification: Likely benign. Last evaluated: 2026-09-21. Review status: criteria provided, single submitter. Criteria: ACMG Guidelines, 2015. Collection method: clinical testing. Allele origin: germline. Affected: no.
Comment: BS1;BP7

CeGaT Center for Human Genetics Tuebingen
Classification: Likely benign. Last evaluated: 2026-07-01. Review status: criteria provided, single submitter. Criteria: CeGaT Center For Human Genetics Tuebingen Variant Classification Criteria Version 2. Collection method: clinical testing. Allele origin: germline. Affected: yes. Observed: 1 variant allele.
Comment: TTN: BP4

Labcorp Genetics (formerly Invitae), Labcorp
Classification: Benign for Dilated cardiomyopathy 1G; Autosomal recessive limb-girdle muscular dystrophy type 2J. Last evaluated: 2026-02-01. Review status: criteria provided, single submitter. Criteria: Invitae Variant Classification Sherloc (09022015). Collection method: clinical testing. Allele origin: germline.

Mayo Clinic Laboratories, Mayo Clinic
Classification: Likely benign. Last evaluated: 2025-10-22. Review status: criteria provided, single submitter. Criteria: ACMG Guidelines, 2015. Collection method: clinical testing. Allele origin: germline. Observed: 1 variant allele.
Comment: BP4, BP7

PreventionGenetics, part of Exact Sciences
Classification: Likely benign for TTN-related condition. Last evaluated: 2025-07-30. Review status: criteria provided, single submitter. Criteria: ACMG Guidelines, 2015. Collection method: clinical testing. Allele origin: germline.
Comment: This variant is classified as likely benign based on ACMG/AMP sequence variant interpretation guidelines (Richards et al. 2015 PMID: 25741868, with internal and published modifications).

Blueprint Genetics
Classification: Likely benign. Last evaluated: 2024-09-08. Review status: criteria provided, single submitter. Criteria: ACMG Guidelines, 2015. Collection method: clinical testing. Allele origin: germline.

Women's Health and Genetics/Laboratory Corporation of America, LabCorp
Classification: Likely benign. Last evaluated: 2021-12-28. Review status: criteria provided, single submitter. Criteria: LabCorp Variant Classification Summary - May 2015. Collection method: clinical testing. Allele origin: germline.

Genome-Nilou Lab
Classification: Benign for Autosomal recessive limb-girdle muscular dystrophy type 2J. Last evaluated: 2021-09-10. Review status: criteria provided, single submitter. Criteria: ACMG Guidelines, 2015. Collection method: clinical testing. Allele origin: germline. Affected: no.

Genome-Nilou Lab
Classification: Benign for Myopathy, myofibrillar, 9, with early respiratory failure. Last evaluated: 2021-09-10. Review status: criteria provided, single submitter. Criteria: ACMG Guidelines, 2015. Collection method: clinical testing. Allele origin: germline. Affected: no.

Genome-Nilou Lab
Classification: Benign for Early-onset myopathy with fatal cardiomyopathy. Last evaluated: 2021-09-10. Review status: criteria provided, single submitter. Criteria: ACMG Guidelines, 2015. Collection method: clinical testing. Allele origin: germline. Affected: no.

Genome-Nilou Lab
Classification: Benign for Tibial muscular dystrophy. Last evaluated: 2021-09-10. Review status: criteria provided, single submitter. Criteria: ACMG Guidelines, 2015. Collection method: clinical testing. Allele origin: germline. Affected: no.

Ambry Genetics
Classification: Likely benign for Cardiovascular phenotype. Last evaluated: 2019-10-24. Review status: criteria provided, single submitter. Criteria: Ambry Variant Classification Scheme 2023. Collection method: clinical testing. Allele origin: germline.

Laboratory for Molecular Medicine, Mass General Brigham Personalized Medicine
Classification: Likely benign. Last evaluated: 2016-01-11. Review status: criteria provided, single submitter. Criteria: LMM Criteria. Collection method: clinical testing. Allele origin: germline. Observed: 1 variant allele.
Comment: p.Tyr28580Tyr variant in exon 288 of TTN: This variant is not expected to have c linical significance because it does not alter an amino acid residue and is not located within the splice consensus sequence. It has been identified in 6/66728 European and 16/16512 South Asian chromosomes by the Exome Aggregation Consortiu m (ExAC; dbSNP rs561739832).

Eurofins Ntd Llc (ga)
Classification: Likely benign. Last evaluated: 2015-08-24. Review status: criteria provided, single submitter. Criteria: EGL Classification Definitions 2015. Collection method: clinical testing. Allele origin: germline. Observed: 1 variant allele, 1 heterozygote.

GeneDx
Classification: Benign. Last evaluated: 2014-10-08. Review status: criteria provided, single submitter. Criteria: GeneDx Variant Classification (06012015). Collection method: clinical testing. Allele origin: germline. Affected: yes.
Comment: This variant is considered likely benign or benign based on one or more of the following criteria: it is a conservative change, it occurs at a poorly conserved position in the protein, it is predicted to be benign by multiple in silico algorithms, and/or has population frequency not consistent with disease.

Clinical Genetics DNA and cytogenetics Diagnostics Lab, Erasmus MC, Erasmus Medical Center
Classification: Likely benign. Review status: no assertion criteria provided. Collection method: clinical testing. Allele origin: germline. Affected: yes. Study: VKGL Data-share Consensus. Not counted in ClinVar's aggregate classification.

Clinical Genetics, Academic Medical Center
Classification: Benign. Review status: no assertion criteria provided. Collection method: clinical testing. Allele origin: germline. Affected: yes. Study: VKGL Data-share Consensus. Not counted in ClinVar's aggregate classification.

Genome Diagnostics Laboratory, University Medical Center Utrecht
Classification: Likely benign. Review status: no assertion criteria provided. Collection method: clinical testing. Allele origin: germline. Affected: yes. Study: VKGL Data-share Consensus. Not counted in ClinVar's aggregate classification.

NM_001267550.2(TTN):c.93444C>T (p.Tyr31148=)

Genes: TTN-AS1 (TTN antisense RNA 1; plus strand), TTN (titin; minus strand). Cytogenetic location: 2q31.2.
Variant type: single nucleotide variant.
Coding change: c.93444C>T on transcript NM_001267550.2 (MANE Select); coding-DNA position 93444, C replaced by T.
Protein change: p.Tyr31148=; no amino-acid change (tyrosine 31148 retained).
Molecular consequence: synonymous variant.
Genome position (GRCh38, 1-based): chr2:178,548,182, G>A on the plus strand (C>T on the coding strand, the complement: TTN is on the minus strand). VCF-style: chr2-178548182-G-A. GRCh37 (hg19) VCF-style: chr2-179412909-G-A.
Other names: p.Y29507Y:TAC>TAT; p.Tyr28580=; c.88521C>T, p.Tyr29507= (NM_001256850.1); c.66249C>T, p.Tyr22083= (NM_003319.4); c.85740C>T, p.Tyr28580= (NM_133378.4); c.66624C>T, p.Tyr22208= (NM_133432.3); c.66825C>T, p.Tyr22275= (NM_133437.4).
Identifiers: ClinVar variation 202281 (VCV000202281.33), dbSNP rs561739832, ClinGen allele CA308971.
Genomic context (GRCh38, chr2:178,548,182, plus strand): 5'-CTGTTTGGTGTGACCAGCTTCAACCCAGAAGTCAGATCCCTTTTGTCTCATTTCAAGCAG[G>A]TAGCCAGTGATCCGGCTGCCTCCATCGTGGTCAGGTTTAAGCCAAGCTAAGACTGCGGAG-3'
Protein context (NP_001254479.2, residues 31138-31158): DHDGGSRITG[Tyr31148=]LLEMRQKGSD